The following is an entry in ClinVar:

ClinVar aggregate classification (germline): Likely benign (0 of 4 stars; one submission).

Conditions:
TMPRSS11E-related disorder. Also called: TMPRSS11E-related condition.

Allele frequency attached by ClinVar (database versions not stated): ESP Exome Variant Server 0.00015; ExAC 0.00017; TOPMed 0.00021; gnomAD 0.00030; gnomAD exomes 0.00030.
gnomAD v4.1: 483 of 1,591,688 alleles (0.03%); highest among the groups gnomAD compares: Non-Finnish European, 0.038%; no homozygotes.

Submission:

PreventionGenetics, part of Exact Sciences
Classification: Likely benign for TMPRSS11E-related condition. Last evaluated: 2021-02-26. Review status: no assertion criteria provided. Collection method: clinical testing. Allele origin: germline.
Comment: This variant is classified as likely benign based on ACMG/AMP sequence variant interpretation guidelines (Richards et al. 2015 PMID: 25741868, with internal and published modifications).

NM_014058.4(TMPRSS11E):c.529+12A>G

Gene: TMPRSS11E (transmembrane serine protease 11E; plus strand). Cytogenetic location: 4q13.2.
Variant type: single nucleotide variant.
Coding change: c.529+12A>G on transcript NM_014058.4 (MANE Select); 12 bases into the intron after coding-DNA position 529, A replaced by G.
Molecular consequence: intron variant.
Genome position (GRCh38, 1-based): chr4:68,474,773, A>G. VCF-style: chr4-68474773-A-G. GRCh37 (hg19) VCF-style: chr4-69340491-A-G.
Identifiers: ClinVar variation 3054888 (VCV003054888.2), dbSNP rs368614631, ClinGen allele CA2941763.